The following is an entry in ClinVar:

ClinVar aggregate classification (germline): Uncertain significance (1 of 4 stars; one submission).

Conditions:
Severe combined immunodeficiency due to DNA-PKcs deficiency. Also called: Immunodeficiency 26 with or without neurologic abnormalities; IMMUNODEFICIENCY 26 WITH NEUROLOGIC ABNORMALITIES. Identifiers: Orphanet 317425, MedGen C4014833, MONDO:0014423, OMIM 615966.

Submission:

Labcorp Genetics (formerly Invitae), Labcorp
Classification: Uncertain significance for Severe combined immunodeficiency due to DNA-PKcs deficiency. Last evaluated: 2021-05-03. Review status: criteria provided, single submitter. Criteria: Invitae Variant Classification Sherloc (09022015). Collection method: clinical testing. Allele origin: germline.
Comment: This sequence change replaces valine with glycine at codon 2712 of the PRKDC protein (p.Val2712Gly). The valine residue is moderately conserved and there is a moderate physicochemical difference between valine and glycine. This variant is not present in population databases (ExAC no frequency). In summary, the available evidence is currently insufficient to determine the role of this variant in disease. Therefore, it has been classified as a Variant of Uncertain Significance. Experimental studies and prediction algorithms are not available or were not evaluated, and the functional significance of this variant is currently unknown. This variant has not been reported in the literature in individuals with PRKDC-related conditions.

NM_006904.7(PRKDC):c.8135T>G (p.Val2712Gly)

Gene: PRKDC (protein kinase, DNA-activated, catalytic subunit; minus strand). Cytogenetic location: 8q11.21.
Variant type: single nucleotide variant.
Coding change: c.8135T>G on transcript NM_006904.7 (MANE Select); coding-DNA position 8135, T replaced by G.
Protein change: p.Val2712Gly; replaces valine 2712 with glycine.
Molecular consequence: missense variant.
Genome position (GRCh38, 1-based): chr8:47,834,213, A>C on the plus strand (T>G on the coding strand, the complement: PRKDC is on the minus strand). VCF-style: chr8-47834213-A-C. GRCh37 (hg19) VCF-style: chr8-48746774-A-C.
Other names: c.8135T>G, p.Val2712Gly (NM_001081640.2); short protein forms V2712G.
Identifiers: ClinVar variation 1350778 (VCV001350778.6), dbSNP rs2154499601, ClinGen allele CA371149061.